The following is an entry in ClinVar:

ClinVar aggregate classification (germline): Likely benign (1 of 4 stars; one submission).

Conditions:
Amyotrophic lateral sclerosis type 6. Also called: FUS-Related Amyotrophic Laterial Sclerosis; AMYOTROPHIC LATERAL SCLEROSIS 6 WITHOUT FRONTOTEMPORAL DEMENTIA; Amyotrophic lateral sclerosis 6, with or without frontotemporal dementia. Identifiers: Orphanet 275872, Orphanet 803, MedGen C2931786, MONDO:0011951, OMIM 608030.

Allele frequency attached by ClinVar (database versions not stated): gnomAD exomes 0.00048 and 0.00027; 1000 Genomes Project 0.00060; gnomAD 0.00016 and 0.00021; ExAC 0.00028; TOPMed 0.00033; 1000 Genomes Project 30x 0.00109.
gnomAD v4.1: 119 of 481,438 alleles (0.025%); highest among the groups gnomAD compares: East Asian, 0.5%; no homozygotes.

Submission:

Illumina Laboratory Services, Illumina
Classification: Likely benign for Amyotrophic lateral sclerosis type 6. Last evaluated: 2018-01-12. Review status: criteria provided, single submitter. Criteria: ICSL Variant Classification Criteria 13 December 2019. Collection method: clinical testing. Allele origin: germline.
Comment: This variant was observed in the ICSL laboratory as part of a predisposition screen in an ostensibly healthy population. It had not been previously curated by ICSL or reported in the Human Gene Mutation Database (HGMD: prior to June 1st, 2018), and was therefore a candidate for classification through an automated scoring system. Utilizing variant allele frequency, disease prevalence and penetrance estimates, and inheritance mode, an automated score was calculated to assess if this variant is too frequent to cause the disease. Based on the score and internal cut-off values, a variant classified as likely benign is not then subjected to further curation. The score for this variant resulted in a classification of likely benign for this disease.

NM_004960.3(FUS):c.*1286C>G

Gene: FUS (FUS DNA/RNA binding protein; plus strand). Cytogenetic location: 16p11.2.
Variant type: single nucleotide variant.
Coding change: c.*1286C>G on transcript NM_004960.3; 1286 bases downstream of the stop codon, C replaced by G.
Molecular consequence: 3 prime UTR variant (on NM_001170634.1). On other transcripts: non-coding transcript variant (1).
Genome position (GRCh38, 1-based): chr16:31,192,724, C>G. VCF-style: chr16-31192724-C-G. GRCh37 (hg19) VCF-style: chr16-31204045-C-G.
Other names: c.*1286C>G (NM_001170634.1, NM_001170937.1).
Identifiers: ClinVar variation 319014 (VCV000319014.7), dbSNP rs547623704, ClinGen allele CA8024237.